The following is an entry in ClinVar:

NM_001127178.3(PIGG):c.2937A>G (p.Arg979=)

Gene: PIGG (phosphatidylinositol glycan anchor biosynthesis class G (EMM blood group); plus strand). Cytogenetic location: 4p16.3.
Variant type: single nucleotide variant.
Coding change: c.2937A>G on transcript NM_001127178.3 (MANE Select); coding-DNA position 2937, A replaced by G.
Protein change: p.Arg979=; no amino-acid change (arginine 979 retained).
Molecular consequence: synonymous variant. On other transcripts: non-coding transcript variant (10).
Genome position (GRCh38, 1-based): chr4:539,354, A>G. VCF-style: chr4-539354-A-G. GRCh37 (hg19) VCF-style: chr4-533143-A-G.
Other names: c.2937A>G (NM_001127178.2); c.1839A>G, p.Arg613= (NM_001345994.2); c.2913A>G, p.Arg971= (NM_017733.5); c.2670A>G, p.Arg890= (NM_001289051.2, NM_001345986.2); c.2538A>G, p.Arg846= (NM_001289052.2); c.2646A>G, p.Arg882= (NM_001345987.2); c.1908A>G, p.Arg636= (NM_001345988.2); c.1404A>G, p.Arg468= (NM_001345990.2, NM_001345991.2).
Identifiers: ClinVar variation 1081286 (VCV001081286.34), dbSNP rs778211486, ClinGen allele CA2793791.
Genomic context (GRCh38, chr4:539,354, plus strand): 5'-AATGCACCTGCTCATTACAGCTGCTGTCTGTGTATTCTTCACGGCAATGGATCAAACCAG[A>G]CTCACACAGTCTTAGACTAAGCTGAACACTGGAAAAATAATACATGCTTAAAGTCTGCTG-3'
Protein context (NP_001120650.1, residues 969-983): CVFFTAMDQT[Arg979=]LTQS

ClinVar aggregate classification (germline): Likely benign. Review status: criteria provided, multiple submitters, no conflicts (2 of 4 stars). 3 submissions from 3 submitters: Likely benign (2). 1 of the submissions does not count toward it. Last evaluated 2025-07-14.

Conditions:
Intellectual disability, autosomal recessive 53 (NEDHSCA). Also called: GLYCOSYLPHOSPHATIDYLINOSITOL BIOSYNTHESIS DEFECT 13; Mental retardation, autosomal recessive 53; NEURODEVELOPMENTAL DISORDER WITH OR WITHOUT HYPOTONIA, SEIZURES, AND CEREBELLAR ATROPHY. Identifiers: Orphanet 488635, MedGen C4310794, MONDO:0014832, OMIM 616917.
PIGG-related disorder. Also called: PIGG-related condition.

Allele frequency attached by ClinVar (database versions not stated): gnomAD 0.00001; gnomAD exomes 0.00002; TOPMed 0.00003; ExAC 0.00005.

Submissions (3):

Labcorp Genetics (formerly Invitae), Labcorp
Classification: Likely benign for Intellectual disability, autosomal recessive 53. Last evaluated: 2025-07-14. Review status: criteria provided, single submitter. Criteria: Invitae Variant Classification Sherloc (09022015). Collection method: clinical testing. Allele origin: germline.

CeGaT Center for Human Genetics Tuebingen
Classification: Likely benign. Last evaluated: 2023-01-01. Review status: criteria provided, single submitter. Criteria: CeGaT Center For Human Genetics Tuebingen Variant Classification Criteria Version 2. Collection method: clinical testing. Allele origin: germline. Affected: yes. Observed: 1 variant allele.
Comment: PIGG: BP4, BP7

PreventionGenetics, part of Exact Sciences
Classification: Likely benign for PIGG-related condition. Last evaluated: 2019-07-22. Review status: no assertion criteria provided. Collection method: clinical testing. Allele origin: germline. Not counted in ClinVar's aggregate classification.
Comment: This variant is classified as likely benign based on ACMG/AMP sequence variant interpretation guidelines (Richards et al. 2015 PMID: 25741868, with internal and published modifications).